The following is an entry in ClinVar:

ClinVar aggregate classification (germline): Uncertain significance. Review status: criteria provided, multiple submitters, no conflicts (2 of 4 stars). 4 submissions from 4 submitters: Uncertain significance (4). Last evaluated 2026-08-12.

Conditions:
Inborn genetic diseases. Identifiers: MedGen C0950123, MeSH D030342.

Allele frequency attached by ClinVar (database versions not stated): gnomAD exomes below 0.00001; gnomAD 0.00001; TOPMed 0.00002; 1000 Genomes Project 30x 0.00016; 1000 Genomes Project 0.00020.
gnomAD v4.1: 9 of 1,614,120 alleles (0.00056%); highest among the groups gnomAD compares: Admixed American, 0.012%; no homozygotes.

Submissions (4):

GeneDx
Classification: Uncertain significance. Last evaluated: 2026-08-12. Review status: criteria provided, single submitter. Criteria: GeneDx Variant Classification Process June 2021. Collection method: clinical testing. Allele origin: germline.
Comment: In silico analysis supports that this missense variant has a deleterious effect on protein structure/function; Has not been previously published as pathogenic or benign to our knowledge

Ambry Genetics
Classification: Uncertain significance for Inborn genetic diseases. Last evaluated: 2024-06-26. Review status: criteria provided, single submitter. Criteria: Ambry Variant Classification Scheme 2023. Collection method: clinical testing. Allele origin: germline.

Labcorp Genetics (formerly Invitae), Labcorp
Classification: Uncertain significance. Last evaluated: 2024-01-04. Review status: criteria provided, single submitter. Criteria: Invitae Variant Classification Sherloc (09022015). Collection method: clinical testing. Allele origin: germline.
Comment: This sequence change replaces leucine, which is neutral and non-polar, with histidine, which is basic and polar, at codon 564 of the TECTA protein (p.Leu564His). This variant is present in population databases (rs555029298, gnomAD 0.003%). This variant has not been reported in the literature in individuals affected with TECTA-related conditions. Advanced modeling of protein sequence and biophysical properties (such as structural, functional, and spatial information, amino acid conservation, physicochemical variation, residue mobility, and thermodynamic stability) performed at Invitae indicates that this missense variant is not expected to disrupt TECTA protein function with a negative predictive value of 95%. In summary, the available evidence is currently insufficient to determine the role of this variant in disease. Therefore, it has been classified as a Variant of Uncertain Significance.

Blueprint Genetics
Classification: Uncertain significance. Last evaluated: 2018-03-27. Review status: criteria provided, single submitter. Criteria: ACMG Guidelines, 2015. Collection method: clinical testing. Allele origin: germline.

NM_005422.4(TECTA):c.1691T>A (p.Leu564His)

Genes: TBCEL-TECTA (TBCEL-TECTA readthrough; plus strand), TECTA (tectorin alpha; plus strand). Cytogenetic location: 11q23.3.
Variant type: single nucleotide variant.
Coding change: c.1691T>A on transcript NM_005422.4 (MANE Select); coding-DNA position 1691, T replaced by A.
Protein change: p.Leu564His; replaces leucine 564 with histidine.
Molecular consequence: missense variant.
Genome position (GRCh38, 1-based): chr11:121,125,789, T>A. VCF-style: chr11-121125789-T-A. GRCh37 (hg19) VCF-style: chr11-120996498-T-A.
Other names: c.2648T>A, p.Leu883His (NM_001378761.1); c.1691T>A (NM_005422.2); short protein forms L883H, L564H.
Identifiers: ClinVar variation 2893904 (VCV002893904.7), dbSNP rs555029298, ClinGen allele CA229812115.
Genomic context (GRCh38, chr11:121,125,789, plus strand): 5'-CTGCTTTTGTGCACAGCTGCGTGTATGACCTGTGCAGTGTGAGGGACAATGGCACGCTCC[T>A]CTGCCAAGCCATCCAGGCCTATGCTCTTGTGTGCCAAGCCCTTGGCATTCCAATTGGAGA-3'
Protein context (NP_005413.2, residues 554-574): LCSVRDNGTL[Leu564His]CQAIQAYALV